The following is an entry in ClinVar:

ClinVar aggregate classification (germline): Uncertain significance (1 of 4 stars; one submission).

Conditions:
Epilepsy, early-onset, with or without developmental delay. Identifiers: MedGen C5882670, MONDO:0030005, OMIM 618832.

Submission:

3billion
Classification: Uncertain significance for Epilepsy, early-onset, with or without developmental delay. Last evaluated: 2022-01-03. Review status: criteria provided, single submitter. Criteria: ACMG Guidelines, 2015. Collection method: clinical testing. Allele origin: germline. Affected: yes. Observed: 1 heterozygote.
Comment: The variant is not observed in the gnomAD v2.1.1 dataset (PM2_M). In silico tool predictions suggest no damaging effect of the variant on gene or gene product (REVEL:0.183<=0.4, 3CNET:0.023<=0.25, BP4_P). Therefore, this variant is classified as uncertain significance according to the recommendation of ACMG/AMP guideline.

NM_014712.3(SETD1A):c.2842C>G (p.Arg948Gly)

Gene: SETD1A (SET domain containing 1A, histone lysine methyltransferase; plus strand). Cytogenetic location: 16p11.2.
Variant type: single nucleotide variant.
Coding change: c.2842C>G on transcript NM_014712.3 (MANE Select); coding-DNA position 2842, C replaced by G.
Protein change: p.Arg948Gly; replaces arginine 948 with glycine.
Molecular consequence: missense variant.
Genome position (GRCh38, 1-based): chr16:30,969,376, C>G. VCF-style: chr16-30969376-C-G. GRCh37 (hg19) VCF-style: chr16-30980697-C-G.
Other names: short protein forms R948G.
Identifiers: ClinVar variation 1333205 (VCV001333205.1), dbSNP rs2143524691, ClinGen allele CA395621813.
Genomic context (GRCh38, chr16:30,969,376, plus strand): 5'-GAGAAGGAGGCTGGAGAGCCAGGACGTCCGGGGACCAAGCCCCCGAAGCGGGACGAAGAG[C>G]GAGGCAAGACCCAGGGCAAGCACCGCAAGTCCTTTGCTCTGGACAGCGAAGGGGAGGAGG-3'
Protein context (NP_055527.1, residues 938-958): GTKPPKRDEE[Arg948Gly]GKTQGKHRKS